The following is an entry in ClinVar:

NM_001183.6(ATP6AP1):c.117_119del (p.Ala41del)

Gene: ATP6AP1 (ATPase H+ transporting accessory protein 1; plus strand). Cytogenetic location: Xq28.
Variant type: Deletion.
Coding change: c.117_119del on transcript NM_001183.6 (MANE Select); coding-DNA positions 117 to 119, 3 bases deleted (AGC; older notation c.117_119delAGC).
Protein change: p.Ala41del; deletes alanine 41.
Molecular consequence: inframe deletion.
Genome position (GRCh38, 1-based): chrX:154,428,809-154,428,811, AGC deleted; deleting any 3 consecutive bases within chrX:154,428,807-154,428,811 gives the same sequence; the c. name uses the placement nearest the transcript's 3' end. VCF-style (leftmost placement, unchanged base first): chrX-154428806-GGCA-G. GRCh37 (hg19) VCF-style: chrX-153657152-GGCA-G.
Other names: short protein forms A41del.
Identifiers: ClinVar variation 2193227 (VCV002193227.4), dbSNP rs1569553183, ClinGen allele CA645291022.

ClinVar aggregate classification (germline): Uncertain significance (1 of 4 stars; one submission).

Submission:

Labcorp Genetics (formerly Invitae), Labcorp
Classification: Uncertain significance. Last evaluated: 2022-05-03. Review status: criteria provided, single submitter. Criteria: Invitae Variant Classification Sherloc (09022015). Collection method: clinical testing. Allele origin: germline.
Comment: In summary, the available evidence is currently insufficient to determine the role of this variant in disease. Therefore, it has been classified as a Variant of Uncertain Significance. Experimental studies and prediction algorithms are not available or were not evaluated, and the functional significance of this variant is currently unknown. This variant has not been reported in the literature in individuals affected with ATP6AP1-related conditions. This variant is present in population databases (no rsID available, gnomAD 0.008%). This variant, c.117_119del, results in the deletion of 1 amino acid(s) of the ATP6AP1 protein (p.Ala41del), but otherwise preserves the integrity of the reading frame.